The following is an entry in ClinVar:

NM_004522.3(KIF5C):c.1454A>C (p.Lys485Thr)

Gene: KIF5C (kinesin family member 5C; plus strand). Cytogenetic location: 2q23.1.
Variant type: single nucleotide variant.
Coding change: c.1454A>C on transcript NM_004522.3 (MANE Select); coding-DNA position 1454, A replaced by C.
Protein change: p.Lys485Thr; replaces lysine 485 with threonine.
Molecular consequence: missense variant. On other transcripts: non-coding transcript variant (1).
Genome position (GRCh38, 1-based): chr2:148,981,446, A>C. VCF-style: chr2-148981446-A-C. GRCh37 (hg19) VCF-style: chr2-149837960-A-C.
Other names: short protein forms K485T.
Identifiers: ClinVar variation 1339229 (VCV001339229.2), dbSNP rs2105159248, ClinGen allele CA348735996.

ClinVar aggregate classification (germline): Uncertain significance (1 of 4 stars; one submission).

Conditions:
Complex cortical dysplasia with other brain malformations 2. Identifiers: MedGen C3809013, MONDO:0014116, OMIM 615282.

Submission:

Neuberg Centre For Genomic Medicine, NCGM
Classification: Uncertain significance for Complex cortical dysplasia with other brain malformations 2. Review status: criteria provided, single submitter. Criteria: ACMG Guidelines, 2015. Collection method: clinical testing. Allele origin: germline. Affected: yes.
Comment: The missense variant p.K485T in KIF5C (NM_004522.3) has not been reported previously as a pathogenic variant nor as a benign variant, to our knowledge. The p.K485T variant is novel (not in any individuals) in gnomAD Exomes and is novel (not in any individuals) in 1000 Genomes. The p.K485T missense variant is predicted to be damaging by both SIFT and PolyPhen2. The lysine residue at codon 485 of KIF5C is conserved in all mammalian species. The nucleotide c.1454 in KIF5C is predicted conserved by GERP++ and PhyloP across 100 vertebrates. For these reasons, this variant has been classified as Uncertain Significance.